The following is an entry in ClinVar:

NM_001082538.3(TCTN1):c.843+1G>C

Gene: TCTN1 (tectonic family member 1; plus strand). Cytogenetic location: 12q24.11.
Variant type: single nucleotide variant.
Coding change: c.843+1G>C on transcript NM_001082538.3 (MANE Select); the canonical splice donor site of the intron after coding-DNA position 843, G replaced by C.
Molecular consequence: splice donor variant.
Genome position (GRCh38, 1-based): chr12:110,636,502, G>C. VCF-style: chr12-110636502-G-C. GRCh37 (hg19) VCF-style: chr12-111074307-G-C.
Other names: c.675+1G>C (NM_001173975.3); c.663+1G>C (NM_001173976.2); c.309+1G>C (NM_001319681.2); c.801+1G>C (NM_024549.6); c.843+1G>C (NM_001082537.3, NM_001319680.2).
Identifiers: ClinVar variation 834796 (VCV000834796.8), dbSNP rs2066579666, ClinGen allele CA386704052.

ClinVar aggregate classification (germline): Pathogenic (1 of 4 stars; one submission).

Conditions:
Meckel-Gruber syndrome. Also called: DYSENCEPHALIA SPLANCHNOCYSTICA; GRUBER SYNDROME; Dysencephalia splachnocystica. Identifiers: Orphanet 564, MedGen C0265215, MONDO:0018921.
Joubert syndrome. Also called: CEREBELLOPARENCHYMAL DISORDER IV; JOUBERT-BOLTSHAUSER SYNDROME; Familial aplasia of the vermis. Identifiers: Orphanet 475, MedGen C5979921, MONDO:0018772.

Submission:

Labcorp Genetics (formerly Invitae), Labcorp
Classification: Pathogenic for Joubert syndrome; Meckel-Gruber syndrome. Last evaluated: 2022-11-29. Review status: criteria provided, single submitter. Criteria: Invitae Variant Classification Sherloc (09022015). Collection method: clinical testing. Allele origin: germline.
Comment: For these reasons, this variant has been classified as Pathogenic. Algorithms developed to predict the effect of sequence changes on RNA splicing suggest that this variant may disrupt the consensus splice site. ClinVar contains an entry for this variant (Variation ID: 834796). Disruption of this splice site has been observed in individual(s) with TCTN1-related conditions (Invitae). This variant is not present in population databases (gnomAD no frequency). This sequence change affects a donor splice site in intron 7 of the TCTN1 gene. It is expected to disrupt RNA splicing. Variants that disrupt the donor or acceptor splice site typically lead to a loss of protein function (PMID: 16199547), and loss-of-function variants in TCTN1 are known to be pathogenic (PMID: 21725307, 22693042, 27894351).

Literature cited by the submitters: PubMed 16199547; PubMed 21725307; PubMed 22693042; PubMed 27894351.